The following is an entry in ClinVar:

NM_001164508.2(NEB):c.7004T>C (p.Met2335Thr)

Gene: NEB (nebulin; minus strand). Cytogenetic location: 2q23.3.
Variant type: single nucleotide variant.
Coding change: c.7004T>C on transcript NM_001164508.2 (MANE Select); coding-DNA position 7004, T replaced by C.
Protein change: p.Met2335Thr; replaces methionine 2335 with threonine.
Molecular consequence: missense variant.
Genome position (GRCh38, 1-based): chr2:151,650,797, A>G on the plus strand (T>C on the coding strand, the complement: NEB is on the minus strand). VCF-style: chr2-151650797-A-G. GRCh37 (hg19) VCF-style: chr2-152507311-A-G.
Other names: c.7004T>C, p.Met2335Thr (NM_001164507.2, NM_001271208.2, NM_004543.5); short protein forms M2335T.
Identifiers: ClinVar variation 1019770 (VCV001019770.6), dbSNP rs769646337, ClinGen allele CA348790741.

ClinVar aggregate classification (germline): Uncertain significance (1 of 4 stars; one submission).

Conditions:
Nemaline myopathy 2 (NEM2). Also called: Nemaline myopathy 2, autosomal recessive. Identifiers: MedGen C1850569, MONDO:0009725, OMIM 256030.

gnomAD v4.1: 7 of 1,613,886 alleles (0.00043%); highest among the groups gnomAD compares: Non-Finnish European, 0.00059%; no homozygotes.

Submission:

Labcorp Genetics (formerly Invitae), Labcorp
Classification: Uncertain significance for Nemaline myopathy 2. Last evaluated: 2021-08-31. Review status: criteria provided, single submitter. Criteria: Invitae Variant Classification Sherloc (09022015). Collection method: clinical testing. Allele origin: germline.
Comment: This sequence change replaces methionine with threonine at codon 2335 of the NEB protein (p.Met2335Thr). The methionine residue is moderately conserved and there is a moderate physicochemical difference between methionine and threonine. This variant is not present in population databases (ExAC no frequency). This variant has not been reported in the literature in individuals affected with NEB-related conditions. Algorithms developed to predict the effect of missense changes on protein structure and function are either unavailable or do not agree on the potential impact of this missense change (SIFT: "Deleterious"; PolyPhen-2: "Not Available"; Align-GVGD: "Class C0"). In summary, the available evidence is currently insufficient to determine the role of this variant in disease. Therefore, it has been classified as a Variant of Uncertain Significance.